The following is an entry in ClinVar:

ClinVar aggregate classification (germline): Uncertain significance (1 of 4 stars; one submission).

Conditions:
MAPK8IP3-related disorder. Also called: MAPK8IP3-related condition.

gnomAD v4.1: 2 of 1,590,850 alleles (0.00013%); highest among the groups gnomAD compares: African/African-American, 0.0013%; no homozygotes.

Submission:

PreventionGenetics, part of Exact Sciences
Classification: Uncertain significance for MAPK8IP3-related condition. Last evaluated: 2022-11-01. Review status: criteria provided, single submitter. Criteria: ACMG Guidelines, 2015. Collection method: clinical testing. Allele origin: germline.
Comment: The MAPK8IP3 c.3846C>G variant is predicted to result in the amino acid substitution p.Asn1282Lys. To our knowledge, this variant has not been reported in the literature or in a large population database, indicating this variant is rare. At this time, the clinical significance of this variant is uncertain due to the absence of conclusive functional and genetic evidence.

NM_001318852.2(MAPK8IP3):c.3846C>G (p.Asn1282Lys)

Gene: MAPK8IP3 (mitogen-activated protein kinase 8 interacting protein 3; plus strand). Cytogenetic location: 16p13.3.
Variant type: single nucleotide variant.
Coding change: c.3846C>G on transcript NM_001318852.2 (MANE Select); coding-DNA position 3846, C replaced by G.
Protein change: p.Asn1282Lys; replaces asparagine 1282 with lysine.
Molecular consequence: missense variant.
Genome position (GRCh38, 1-based): chr16:1,768,580, C>G. VCF-style: chr16-1768580-C-G. GRCh37 (hg19) VCF-style: chr16-1818581-C-G.
Other names: c.3825C>G, p.Asn1275Lys (NM_001040439.2); c.3843C>G, p.Asn1281Lys (NM_015133.5, NM_033392.3); short protein forms N1275K, N1281K, N1282K.
Identifiers: ClinVar variation 2635099 (VCV002635099.1), dbSNP rs200755630, ClinGen allele CA276721839.